The following is an entry in ClinVar:

NM_017649.5(CNNM2):c.1057_1059del (p.Val353del)

Gene: CNNM2 (cyclin and CBS domain divalent metal cation transport mediator 2; plus strand). Cytogenetic location: 10q24.32.
Variant type: Deletion.
Coding change: c.1057_1059del on transcript NM_017649.5 (MANE Select); coding-DNA positions 1057 to 1059, 3 bases deleted (GTC; older notation c.1057_1059delGTC).
Protein change: p.Val353del; deletes valine 353.
Molecular consequence: inframe deletion.
Genome position (GRCh38, 1-based): chr10:102,919,537-102,919,539, GTC deleted; deleting any 3 consecutive bases within chr10:102,919,535-102,919,539 gives the same sequence; the c. name uses the placement nearest the transcript's 3' end. VCF-style (leftmost placement, unchanged base first): chr10-102919534-ATCG-A. GRCh37 (hg19) VCF-style: chr10-104679291-ATCG-A.
Other names: c.1057_1059del, p.Val353del (NM_199076.3, NM_199077.3); short protein forms V353del.
Identifiers: ClinVar variation 3369040 (VCV003369040.1).
Genomic context (GRCh38, chr10:102,919,534, plus strand): 5'-ATCCTGCTCGACGACATCGCCGGCTCGGGCCTCGTGGCCGTGGTAGTCTCCACCATCGGT[ATCG>A]TCATCTTCGGAGAGATCGTGCCCCAGGCCATCTGCTCCCGGCATGGCCTGGCTGTGGGGG-3'

ClinVar aggregate classification (germline): Uncertain significance (1 of 4 stars; one submission).

Submission:

GeneDx
Classification: Uncertain significance. Last evaluated: 2024-02-15. Review status: criteria provided, single submitter. Criteria: GeneDx Variant Classification Process June 2021. Collection method: clinical testing. Allele origin: germline. Affected: yes.
Comment: Not observed at significant frequency in large population cohorts (gnomAD); In-frame deletion of 1 amino acid in a non-repeat region; In silico analysis supports a deleterious effect on protein structure/function; Has not been previously published as pathogenic or benign to our knowledge